The following is an entry in ClinVar:

ClinVar aggregate classification (germline): Uncertain significance (1 of 4 stars; one submission).

Conditions:
Hereditary cancer-predisposing syndrome. Also called: Neoplastic Syndromes, Hereditary; Tumor predisposition; Hereditary Cancer Syndrome; Hereditary neoplastic syndrome. Identifiers: Orphanet 140162, MedGen C0027672, MeSH D009386, MONDO:0015356.

Submission:

Ambry Genetics
Classification: Uncertain significance for Hereditary cancer-predisposing syndrome. Last evaluated: 2026-02-20. Review status: criteria provided, single submitter. Criteria: Ambry Variant Classification Scheme 2023. Collection method: clinical testing. Allele origin: germline.
Comment: The p.I711S variant (also known as c.2132T>G), located in coding exon 15 of the APC gene, results from a T to G substitution at nucleotide position 2132. The isoleucine at codon 711 is replaced by serine, an amino acid with dissimilar properties. This amino acid position is conserved. In addition, in silico predictors for this gene do not accurately predict pathogenicity. Based on the available evidence, the clinical significance of this variant remains unclear.

NM_000038.6(APC):c.2132T>G (p.Ile711Ser)

Gene: APC (APC regulator of Wnt signaling pathway; plus strand). Cytogenetic location: 5q22.2.
Variant type: single nucleotide variant.
Coding change: c.2132T>G on transcript NM_000038.6 (MANE Select); coding-DNA position 2132, T replaced by G.
Protein change: p.Ile711Ser; replaces isoleucine 711 with serine.
Molecular consequence: missense variant. On other transcripts: non-coding transcript variant (2).
Genome position (GRCh38, 1-based): chr5:112,837,726, T>G. VCF-style: chr5-112837726-T-G. GRCh37 (hg19) VCF-style: chr5-112173423-T-G.
Other names: c.2186T>G, p.Ile729Ser (NM_001407449.1, NM_001354896.2, NM_001407447.1 and 1 more transcripts); c.2132T>G, p.Ile711Ser (NM_001407450.1, NM_001127510.3, NM_001354895.2); c.2111T>G, p.Ile704Ser (NM_001407451.1); c.2102T>G, p.Ile701Ser (NM_001407452.1); c.1955T>G, p.Ile652Ser (NM_001407453.1, NM_001354901.2); c.1883T>G, p.Ile628Ser (NM_001407454.1, NM_001407455.1, NM_001407456.1 and 1 more transcripts); c.1829T>G, p.Ile610Ser (NM_001407458.1, NM_001354903.2, NM_001407459.1 and 1 more transcripts); c.2078T>G, p.Ile693Ser (NM_001127511.3); and 11 more; short protein forms I693S, I704S, I721S, I729S, I620S, I686S, I701S, I551S.
Identifiers: ClinVar variation 4825066 (VCV004825066.1).